The following is an entry in ClinVar:

NM_001122752.2(SERPINI1):c.904G>A (p.Asp302Asn)

Gene: SERPINI1 (serpin family I member 1; plus strand). Cytogenetic location: 3q26.1.
Variant type: single nucleotide variant.
Coding change: c.904G>A on transcript NM_001122752.2 (MANE Select); coding-DNA position 904, G replaced by A.
Protein change: p.Asp302Asn; replaces aspartic acid 302 with asparagine.
Molecular consequence: missense variant.
Genome position (GRCh38, 1-based): chr3:167,807,266, G>A. VCF-style: chr3-167807266-G-A. GRCh37 (hg19) VCF-style: chr3-167525054-G-A.
Other names: c.904G>A, p.Asp302Asn (NM_005025.5); short protein forms D302N.
Identifiers: ClinVar variation 1407532 (VCV001407532.8), dbSNP rs2108567247, ClinGen allele CA355157408.
Genomic context (GRCh38, chr3:167,807,266, plus strand): 5'-GCTCTAACTAAATATTTTTCTCCCTATGTGTTCTCCAGGTTCACAGTGGAACAGGAAATT[G>A]ATTTAAAAGATGTTTTGAAGGCTCTTGGAATAACTGAAATTTTCATCAAAGATGCAAATT-3'
Protein context (NP_001116224.1, residues 292-312): LPRFTVEQEI[Asp302Asn]LKDVLKALGI

ClinVar aggregate classification (germline): Uncertain significance (1 of 4 stars; one submission).

Conditions:
Familial encephalopathy with neuroserpin inclusion bodies. Also called: ENCEPHALOPATHY, FAMILIAL, WITH COLLINS BODIES. Identifiers: Orphanet 85110, MedGen C1858680, MONDO:0011412, OMIM 604218.

Allele frequency attached by ClinVar (database versions not stated): gnomAD exomes below 0.00001.
gnomAD v4.1: 1 of 1,612,512 alleles (0.000062%); highest among the groups gnomAD compares: Non-Finnish European, 0.000085%; no homozygotes.

Submission:

Labcorp Genetics (formerly Invitae), Labcorp
Classification: Uncertain significance for Familial encephalopathy with neuroserpin inclusion bodies. Last evaluated: 2022-09-01. Review status: criteria provided, single submitter. Criteria: Invitae Variant Classification Sherloc (09022015). Collection method: clinical testing. Allele origin: germline.
Comment: In summary, the available evidence is currently insufficient to determine the role of this variant in disease. Therefore, it has been classified as a Variant of Uncertain Significance. Advanced modeling of protein sequence and biophysical properties (such as structural, functional, and spatial information, amino acid conservation, physicochemical variation, residue mobility, and thermodynamic stability) performed at Invitae indicates that this missense variant is not expected to disrupt SERPINI1 protein function. ClinVar contains an entry for this variant (Variation ID: 1407532). This variant has not been reported in the literature in individuals affected with SERPINI1-related conditions. This variant is not present in population databases (gnomAD no frequency). This sequence change replaces aspartic acid, which is acidic and polar, with asparagine, which is neutral and polar, at codon 302 of the SERPINI1 protein (p.Asp302Asn).